The following is an entry in ClinVar:

ClinVar aggregate classification (germline): Uncertain significance (1 of 4 stars; one submission).

Allele frequency attached by ClinVar (database versions not stated): gnomAD 0.00001; gnomAD exomes 0.00001 and 0.00002; TOPMed 0.00001.
gnomAD v4.1: 20 of 1,315,950 alleles (0.0015%); highest among the groups gnomAD compares: Non-Finnish European, 0.0019%; no homozygotes.

Submission:

Labcorp Genetics (formerly Invitae), Labcorp
Classification: Uncertain significance. Last evaluated: 2024-03-20. Review status: criteria provided, single submitter. Criteria: Invitae Variant Classification Sherloc (09022015). Collection method: clinical testing. Allele origin: germline.
Comment: This sequence change replaces proline, which is neutral and non-polar, with serine, which is neutral and polar, at codon 1203 of the ERCC6L2 protein (p.Pro1203Ser). This variant is present in population databases (rs752260247, gnomAD 0.01%). This variant has not been reported in the literature in individuals affected with ERCC6L2-related conditions. ClinVar contains an entry for this variant (Variation ID: 1522617). Experimental studies and prediction algorithms are not available or were not evaluated, and the functional significance of this variant is currently unknown. In summary, the available evidence is currently insufficient to determine the role of this variant in disease. Therefore, it has been classified as a Variant of Uncertain Significance.

NM_020207.7(ERCC6L2):c.3574C>T (p.Pro1192Ser)

Gene: ERCC6L2 (ERCC excision repair 6 like 2; plus strand). Cytogenetic location: 9q22.32.
Variant type: single nucleotide variant.
Coding change: c.3574C>T on transcript NM_020207.7 (MANE Select); coding-DNA position 3574, C replaced by T.
Protein change: p.Pro1192Ser; replaces proline 1192 with serine.
Molecular consequence: missense variant. On other transcripts: non-coding transcript variant (1).
Genome position (GRCh38, 1-based): chr9:96,004,601, C>T. VCF-style: chr9-96004601-C-T. GRCh37 (hg19) VCF-style: chr9-98766883-C-T.
Other names: c.3574C>T, p.Pro1192Ser (NM_001375291.1, NM_001375292.1); short protein forms P1192S.
Identifiers: ClinVar variation 1522617 (VCV001522617.7), dbSNP rs752260247, ClinGen allele CA5139952.